The following is an entry in ClinVar:

NM_006231.4(POLE):c.5527A>G (p.Asn1843Asp)

Gene: POLE (DNA polymerase epsilon, catalytic subunit; minus strand). Cytogenetic location: 12q24.33.
Variant type: single nucleotide variant.
Coding change: c.5527A>G on transcript NM_006231.4 (MANE Select); coding-DNA position 5527, A replaced by G.
Protein change: p.Asn1843Asp; replaces asparagine 1843 with aspartic acid.
Molecular consequence: missense variant.
Genome position (GRCh38, 1-based): chr12:132,639,150, T>C on the plus strand (A>G on the coding strand, the complement: POLE is on the minus strand). VCF-style: chr12-132639150-T-C. GRCh37 (hg19) VCF-style: chr12-133215736-T-C.
Other names: short protein forms N1843D.
Identifiers: ClinVar variation 3781492 (VCV003781492.2).

ClinVar aggregate classification (germline): Conflicting classifications of pathogenicity. Review status: criteria provided, conflicting classifications (1 of 4 stars). 2 submissions from 2 submitters: Uncertain significance (1); Likely benign (1). Last evaluated 2025-09-30.

Conditions:
Hereditary cancer-predisposing syndrome. Also called: Neoplastic Syndromes, Hereditary; Hereditary Cancer Syndrome; Tumor predisposition; Hereditary neoplastic syndrome. Identifiers: Orphanet 140162, MedGen C0027672, MeSH D009386, MONDO:0015356.

Submissions (2):

Labcorp Genetics (formerly Invitae), Labcorp
Classification: Uncertain significance. Last evaluated: 2025-09-30. Review status: criteria provided, single submitter. Criteria: Invitae Variant Classification Sherloc (09022015). Collection method: clinical testing. Allele origin: germline.
Comment: This sequence change replaces asparagine, which is neutral and polar, with aspartic acid, which is acidic and polar, at codon 1843 of the POLE protein (p.Asn1843Asp). This variant is not present in population databases (gnomAD no frequency). This variant has not been reported in the literature in individuals affected with POLE-related conditions. ClinVar contains an entry for this variant (Variation ID: 3781492). Invitae Evidence Modeling of protein sequence and biophysical properties (such as structural, functional, and spatial information, amino acid conservation, physicochemical variation, residue mobility, and thermodynamic stability) indicates that this missense variant is not expected to disrupt POLE protein function with a negative predictive value of 80%. In summary, the available evidence is currently insufficient to determine the role of this variant in disease. Therefore, it has been classified as a Variant of Uncertain Significance.

Ambry Genetics
Classification: Likely benign for Hereditary cancer-predisposing syndrome. Last evaluated: 2025-03-10. Review status: criteria provided, single submitter. Criteria: Ambry Variant Classification Scheme 2023. Collection method: clinical testing. Allele origin: germline.